The following is an entry in ClinVar:

NM_000069.3(CACNA1S):c.1151-15C>A

Gene: CACNA1S (calcium voltage-gated channel subunit alpha1 S; minus strand). Cytogenetic location: 1q32.1.
Variant type: single nucleotide variant.
Coding change: c.1151-15C>A on transcript NM_000069.3 (MANE Select); 15 bases into the intron before coding-DNA position 1151, C replaced by A.
Molecular consequence: intron variant.
Genome position (GRCh38, 1-based): chr1:201,085,046, G>T on the plus strand (C>A on the coding strand, the complement: CACNA1S is on the minus strand). VCF-style: chr1-201085046-G-T. GRCh37 (hg19) VCF-style: chr1-201054174-G-T.
Identifiers: ClinVar variation 3073576 (VCV003073576.1), dbSNP rs1400078923, ClinGen allele CA528307126.

ClinVar aggregate classification (germline): Uncertain significance (1 of 4 stars; one submission).

Conditions:
Malignant hyperthermia, susceptibility to, 5 (MHS5). Also called: CACNA1S-Related Malignant Hyperthermia Susceptibility. Identifiers: Orphanet 423, MedGen C1866077, MONDO:0011163, OMIM 601887.

Allele frequency attached by ClinVar (database versions not stated): gnomAD exomes 0.00001.
gnomAD v4.1: 9 of 1,598,434 alleles (0.00056%); highest among the groups gnomAD compares: Non-Finnish European, 0.0006%; no homozygotes.

Submission:

All of Us Research Program, National Institutes of Health
Classification: Uncertain significance for Malignant hyperthermia, susceptibility to, 5. Last evaluated: 2023-10-02. Review status: criteria provided, single submitter. Criteria: ACMG Guidelines, 2015. Collection method: clinical testing. Allele origin: germline. Inheritance: Autosomal dominant inheritance. Observed: 1 variant allele, 1 heterozygote.
Comment: This variant causes a C to A nucleotide substitution at the -15 position of intron 8/43 of the CACNA1S gene. To our knowledge, functional studies have not been reported for this variant. This variant has not been reported in individuals affected with CACNA1S-related disorders in the literature. This variant has not been identified in the general population by the Genome Aggregation Database (gnomAD). The available evidence is insufficient to determine the role of this variant in disease conclusively. Therefore, this variant is classified as a Variant of Uncertain Significance.

This study involves interpretation of variants in research participants for the purpose of population health screening. Participant phenotype was not available at the time of variant classification. Additional details can be found in publication PMID: 35346344, PMCID: PMC8962531